The following is an entry in ClinVar:

ClinVar aggregate classification (germline): Likely benign (0 of 4 stars; one submission).

Conditions:
AFF3-related disorder. Also called: AFF3-related condition.

Allele frequency attached by ClinVar (database versions not stated): gnomAD 0.00002; gnomAD exomes 0.00002; TOPMed 0.00002; ExAC 0.00003.
gnomAD v4.1: 31 of 1,614,014 alleles (0.0019%); highest among the groups gnomAD compares: East Asian, 0.027%; no homozygotes.

Submission:

PreventionGenetics, part of Exact Sciences
Classification: Likely benign for AFF3-related condition. Last evaluated: 2019-04-10. Review status: no assertion criteria provided. Collection method: clinical testing. Allele origin: germline.
Comment: This variant is classified as likely benign based on ACMG/AMP sequence variant interpretation guidelines (Richards et al. 2015 PMID: 25741868, with internal and published modifications).

NM_001386135.1(AFF3):c.1170C>T (p.Arg390=)

Gene: AFF3 (ALF transcription elongation factor 3; minus strand). Cytogenetic location: 2q11.2.
Variant type: single nucleotide variant.
Coding change: c.1170C>T on transcript NM_001386135.1 (MANE Select); coding-DNA position 1170, C replaced by T.
Protein change: p.Arg390=; no amino-acid change (arginine 390 retained).
Molecular consequence: synonymous variant.
Genome position (GRCh38, 1-based): chr2:99,649,640, G>A on the plus strand (C>T on the coding strand, the complement: AFF3 is on the minus strand). VCF-style: chr2-99649640-G-A. GRCh37 (hg19) VCF-style: chr2-100266102-G-A.
Other names: c.1245C>T, p.Arg415= (NM_001025108.2); c.1170C>T, p.Arg390= (NM_002285.3).
Identifiers: ClinVar variation 3057346 (VCV003057346.2), dbSNP rs768916827, ClinGen allele CA1801242.
Genomic context (GRCh38, chr2:99,649,640, plus strand): 5'-ATGTTTCATAAAGCAATTTATAGTTCATAAAAATGACAAAATGTACCTGTCAGAGAGAGC[G>A]CGGAGAGCCGTTCTCTGAGCTGCCTGCTGGAAGAAAGAAAGGGCAGAGATGTTTATTTAA-3'
Protein context (NP_001373064.1, residues 380-400): EQQAAQRTAL[Arg390=]ALSDSAVVQQ